The following is an entry in ClinVar:

ClinVar aggregate classification (germline): Likely pathogenic. Review status: criteria provided, single submitter (1 of 4 stars). 2 submissions from 2 submitters: Likely pathogenic (1). 1 of the submissions does not count toward it. Last evaluated 2025-05-19.

Conditions:
Polycystic kidney disease 5. Identifiers: MedGen C4539903, MONDO:0033281, OMIM 617610.

Allele frequency attached by ClinVar (database versions not stated): gnomAD exomes below 0.00001; TOPMed 0.00001.
gnomAD v4.1: 1 of 1,612,508 alleles (0.000062%); highest among the groups gnomAD compares: African/African-American, 0.0013%; no homozygotes.

Submissions (2):

3billion
Classification: Likely pathogenic for Polycystic kidney disease 5. Last evaluated: 2025-05-19. Review status: criteria provided, single submitter. Criteria: ACMG Guidelines, 2015. Collection method: clinical testing. Allele origin: germline. Affected: yes.
Comment: The variant is observed at an extremely low frequency in the gnomAD v4.1.0 dataset (total allele frequency: <0.001%). Predicted Consequence/Location: Missense variant. The majority of the known disease-causing variants of this gene are variants expected to result in premature termination of the protein. In silico tool predictions suggest damaging effect of the variant on gene or gene product [REVEL: 0.71 (>=0.6, sensitivity 0.68 and specificity 0.92)]. The same nucleotide change resulting in the same amino acid change has been previously reported to be associated with DZIP1L-related disorder (ClinVar ID: VCV000431432 /PMID: 28530676). The variant has been reported to be in trans with a pathogenic variant as either compound heterozygous or homozygous in at least one similarly affected unrelated individual (PMID: 28530676). The variant has been reported to co-segregate with the disease in at least one similarly affected relative/individual in the same family or similarly affected unrelated families (PMID: 28530676). Therefore, this variant is classified as Likely pathogenic according to the recommendation of ACMG/AMP guideline.

OMIM
Classification: Pathogenic for POLYCYSTIC KIDNEY DISEASE 5. Last evaluated: 2017-08-07. Review status: no assertion criteria provided. Collection method: literature only. Allele origin: germline. Not counted in ClinVar's aggregate classification.

Literature cited by the submitters: PubMed 28530676 (cited by 3billion and OMIM).

NM_173543.3(DZIP1L):c.273G>C (p.Gln91His)

Gene: DZIP1L (DAZ interacting zinc finger protein 1 like; minus strand). Cytogenetic location: 3q22.3.
Variant type: single nucleotide variant.
Coding change: c.273G>C on transcript NM_173543.3 (MANE Select); coding-DNA position 273, G replaced by C.
Protein change: p.Gln91His; replaces glutamine 91 with histidine.
Molecular consequence: missense variant.
Genome position (GRCh38, 1-based): chr3:138,103,699, C>G on the plus strand (G>C on the coding strand, the complement: DZIP1L is on the minus strand). VCF-style: chr3-138103699-C-G. GRCh37 (hg19) VCF-style: chr3-137822541-C-G.
Other names: c.273G>C, p.Gln91His (NM_001170538.1); short protein forms Q91H.
Identifiers: ClinVar variation 431432 (VCV000431432.2), dbSNP rs1135402754, ClinGen allele CA354681856.